The following is an entry in ClinVar:

ClinVar aggregate classification (germline): Uncertain significance. Review status: criteria provided, multiple submitters, no conflicts (2 of 4 stars). 2 submissions from 2 submitters: Uncertain significance (2). Last evaluated 2026-03-30.

Conditions:
Acute myeloid leukemia (AML). Also called: Acute myeloid leukemia, adult; AML adult; Acute non-lymphocytic leukemia; Acute granulocytic leukemia; Leukemia, acute myeloid, somatic; Leukemia, acute myelogenous, somatic. Identifiers: Orphanet 519, MedGen C0023467, MeSH D015470, MONDO:0018874, OMIM 601626, HP:0004808. Disease mechanism: Constitutively activated FLT3.
Inborn genetic diseases. Identifiers: MedGen C0950123, MeSH D030342.

Allele frequency attached by ClinVar (database versions not stated): gnomAD exomes below 0.00001.

Submissions (2):

Ambry Genetics
Classification: Uncertain significance for Inborn genetic diseases. Last evaluated: 2026-03-30. Review status: criteria provided, single submitter. Criteria: Ambry Variant Classification Scheme 2023. Collection method: clinical testing. Allele origin: germline.
Comment: The p.D107G variant (also known as c.320A>G), located in coding exon 1 of the CEBPA gene, results from an A to G substitution at nucleotide position 320. The aspartic acid at codon 107 is replaced by glycine, an amino acid with similar properties. This amino acid position is conserved. In addition, this alteration is predicted to be tolerated by in silico analysis. Based on the available evidence, the clinical significance of this variant remains unclear.

Labcorp Genetics (formerly Invitae), Labcorp
Classification: Uncertain significance for Acute myeloid leukemia. Last evaluated: 2024-04-06. Review status: criteria provided, single submitter. Criteria: Invitae Variant Classification Sherloc (09022015). Collection method: clinical testing. Allele origin: germline.
Comment: This sequence change replaces aspartic acid, which is acidic and polar, with glycine, which is neutral and non-polar, at codon 107 of the CEBPA protein (p.Asp107Gly). This variant is not present in population databases (gnomAD no frequency). This variant has not been reported in the literature in individuals affected with CEBPA-related conditions. ClinVar contains an entry for this variant (Variation ID: 1926671). Advanced modeling of protein sequence and biophysical properties (such as structural, functional, and spatial information, amino acid conservation, physicochemical variation, residue mobility, and thermodynamic stability) performed at Invitae indicates that this missense variant is not expected to disrupt CEBPA protein function with a negative predictive value of 80%. In summary, the available evidence is currently insufficient to determine the role of this variant in disease. Therefore, it has been classified as a Variant of Uncertain Significance.

NM_004364.5(CEBPA):c.320A>G (p.Asp107Gly)

Gene: CEBPA (CCAAT enhancer binding protein alpha; minus strand). Cytogenetic location: 19q13.11.
Variant type: single nucleotide variant.
Coding change: c.320A>G on transcript NM_004364.5 (MANE Select); coding-DNA position 320, A replaced by G.
Protein change: p.Asp107Gly; replaces aspartic acid 107 with glycine.
Molecular consequence: missense variant. On other transcripts: 5 prime UTR variant (1).
Genome position (GRCh38, 1-based): chr19:33,302,095, T>C on the plus strand (A>G on the coding strand, the complement: CEBPA is on the minus strand). VCF-style: chr19-33302095-T-C. GRCh37 (hg19) VCF-style: chr19-33793001-T-C.
Other names: c.-38A>G (NM_001285829.2); c.425A>G, p.Asp142Gly (NM_001287424.2); c.278A>G, p.Asp93Gly (NM_001287435.2); short protein forms D107G, D142G, D93G.
Identifiers: ClinVar variation 1926671 (VCV001926671.6), dbSNP rs1967189449, ClinGen allele CA405275195.